The following is an entry in ClinVar:

NM_172107.4(KCNQ2):c.1888-29G>A

Gene: KCNQ2 (potassium voltage-gated channel subfamily Q member 2; minus strand). Cytogenetic location: 20q13.33.
Variant type: single nucleotide variant.
Coding change: c.1888-29G>A on transcript NM_172107.4 (MANE Select); 29 bases into the intron before coding-DNA position 1888, G replaced by A.
Molecular consequence: intron variant.
Genome position (GRCh38, 1-based): chr20:63,407,404, C>T on the plus strand (G>A on the coding strand, the complement: KCNQ2 is on the minus strand). VCF-style: chr20-63407404-C-T. GRCh37 (hg19) VCF-style: chr20-62038757-C-T.
Other names: c.1804-29G>A (NM_004518.6); c.1795-29G>A (NM_172108.5); c.1834-29G>A (NM_172106.3); c.1942-29G>A (NM_001382235.1).
Identifiers: ClinVar variation 1279064 (VCV001279064.4), dbSNP rs3746364, ClinGen allele CA9958208.

ClinVar aggregate classification (germline): Benign. Review status: criteria provided, multiple submitters, no conflicts (2 of 4 stars). 3 submissions from 3 submitters: Benign (3). Last evaluated 2024-07-15.

Allele frequency attached by ClinVar (database versions not stated): ESP Exome Variant Server 0.06363; TOPMed 0.06394; gnomAD 0.06734 and 0.06948; 1000 Genomes Project 30x 0.06964; 1000 Genomes Project 0.07248; gnomAD exomes 0.08853; ExAC 0.09128.
gnomAD v4.1: 128,185 of 1,575,882 alleles (8.1%); highest among the groups gnomAD compares: East Asian, 10%; 6,418 homozygotes.

Submissions (3):

Unidad de Genómica Garrahan, Hospital de Pediatría Garrahan
Classification: Benign. Last evaluated: 2024-07-15. Review status: criteria provided, single submitter. Criteria: ACMG Guidelines, 2015. Collection method: clinical testing. Allele origin: germline. Affected: no. Observed: 22 variant alleles.
Comment: This variant is classified as Benign based on local population frequency. This variant was detected in 24% of patients studied in a panel designed for Epileptic and Developmental Encephalopathy and Progressive Myoclonus Epilepsy. Number of patients: 22. Only high quality variants are reported.

GeneDx
Classification: Benign. Last evaluated: 2018-06-22. Review status: criteria provided, single submitter. Criteria: GeneDx Variant Classification Process June 2021. Collection method: clinical testing. Allele origin: germline. Affected: yes.

Breakthrough Genomics
Classification: Benign. Review status: criteria provided, single submitter. Criteria: ACMG Guidelines, 2015. Collection method: not provided. Allele origin: germline. Inheritance: Autosomal dominant inheritance. Affected: yes.